The following is an entry in ClinVar:

NM_014000.3(VCL):c.2918T>C (p.Leu973Ser)

Gene: VCL (vinculin; plus strand). Cytogenetic location: 10q22.2.
Variant type: single nucleotide variant.
Coding change: c.2918T>C on transcript NM_014000.3 (MANE Select); coding-DNA position 2918, T replaced by C.
Protein change: p.Leu973Ser; replaces leucine 973 with serine.
Molecular consequence: missense variant. On other transcripts: intron variant (1).
Genome position (GRCh38, 1-based): chr10:74,112,081, T>C. VCF-style: chr10-74112081-T-C. GRCh37 (hg19) VCF-style: chr10-75871839-T-C.
Other names: c.2746-2103T>C (NM_003373.4); short protein forms L973S.
Identifiers: ClinVar variation 1797654 (VCV001797654.2), dbSNP rs2549236011, ClinGen allele CA377264867.

ClinVar aggregate classification (germline): Uncertain significance (1 of 4 stars; one submission).

Conditions:
Cardiovascular phenotype. Identifiers: MedGen CN230736.

Submission:

Ambry Genetics
Classification: Uncertain significance for Cardiovascular phenotype. Last evaluated: 2019-02-04. Review status: criteria provided, single submitter. Criteria: Ambry Variant Classification Scheme 2023. Collection method: clinical testing. Allele origin: germline.
Comment: The p.L973S variant (also known as c.2918T>C), located in coding exon 19 of the VCL gene, results from a T to C substitution at nucleotide position 2918. The leucine at codon 973 is replaced by serine, an amino acid with dissimilar properties. This amino acid position is highly conserved in available vertebrate species. In addition, this alteration is predicted to be deleterious by in silico analysis. Since supporting evidence is limited at this time, the clinical significance of this alteration remains unclear.